The following is an entry in ClinVar:

ClinVar aggregate classification (germline): Likely benign (1 of 4 stars; one submission).

Allele frequency attached by ClinVar (database versions not stated): gnomAD 0.01544 and 0.01656; TOPMed 0.01773; 1000 Genomes Project 0.01997; 1000 Genomes Project 30x 0.02014.
gnomAD v4.1: 2,332 of 152,308 alleles (1.5%); highest among the groups gnomAD compares: African/African-American, 5.2%; 64 homozygotes.

Submission:

GeneDx
Classification: Likely benign. Last evaluated: 2020-09-16. Review status: criteria provided, single submitter. Criteria: GeneDx Variant Classification Process June 2021. Collection method: clinical testing. Allele origin: germline. Affected: yes.
Comment: See Variant Classification Assertion Criteria.

NM_001369.3(DNAH5):c.2743+154A>G

Genes: DNAH5 (dynein axonemal heavy chain 5; minus strand), DNAH5-AS1 (DNAH5 antisense RNA 1; plus strand). Cytogenetic location: 5p15.2.
Variant type: single nucleotide variant.
Coding change: c.2743+154A>G on transcript NM_001369.3 (MANE Select); 154 bases into the intron after coding-DNA position 2743, A replaced by G.
Molecular consequence: intron variant.
Genome position (GRCh38, 1-based): chr5:13,885,810, T>C on the plus strand (A>G on the coding strand, the complement: DNAH5 is on the minus strand). VCF-style: chr5-13885810-T-C. GRCh37 (hg19) VCF-style: chr5-13885919-T-C.
Identifiers: ClinVar variation 1678851 (VCV001678851.2), dbSNP rs77937662, ClinGen allele CA113933571.